The following is an entry in ClinVar:

ClinVar aggregate classification (germline): Uncertain significance (1 of 4 stars; one submission).

gnomAD v4.1: 19 of 1,590,918 alleles (0.0012%); highest among the groups gnomAD compares: Admixed American, 0.0051%; no homozygotes.

Submission:

Labcorp Genetics (formerly Invitae), Labcorp
Classification: Uncertain significance. Last evaluated: 2024-11-21. Review status: criteria provided, single submitter. Criteria: Invitae Variant Classification Sherloc (09022015). Collection method: clinical testing. Allele origin: germline.
Comment: This sequence change falls in intron 5 of the SCARB1 gene. It does not directly change the encoded amino acid sequence of the SCARB1 protein. This variant is present in population databases (rs369936442, gnomAD 0.007%). This variant has not been reported in the literature in individuals affected with SCARB1-related conditions. Algorithms developed to predict the effect of sequence changes on RNA splicing suggest that this variant may create or strengthen a splice site. In summary, the available evidence is currently insufficient to determine the role of this variant in disease. Therefore, it has been classified as a Variant of Uncertain Significance.

NM_005505.5(SCARB1):c.726+16C>T

Gene: SCARB1 (scavenger receptor class B member 1; minus strand). Cytogenetic location: 12q24.31.
Variant type: single nucleotide variant.
Coding change: c.726+16C>T on transcript NM_005505.5 (MANE Select); 16 bases into the intron after coding-DNA position 726, C replaced by T.
Molecular consequence: intron variant.
Genome position (GRCh38, 1-based): chr12:124,811,854, G>A on the plus strand (C>T on the coding strand, the complement: SCARB1 is on the minus strand). VCF-style: chr12-124811854-G-A. GRCh37 (hg19) VCF-style: chr12-125296400-G-A.
Other names: c.726+16C>T (NM_001367988.1, NM_001367985.1, NM_001367987.1 and 6 more transcripts); c.603+16C>T (NM_001367982.1).
Identifiers: ClinVar variation 3629344 (VCV003629344.2).